The following is an entry in ClinVar:

NM_020680.4(SCYL1):c.685C>A (p.Pro229Thr)

Gene: SCYL1 (SCY1 like pseudokinase 1; plus strand). Cytogenetic location: 11q13.1.
Variant type: single nucleotide variant.
Coding change: c.685C>A on transcript NM_020680.4 (MANE Select); coding-DNA position 685, C replaced by A.
Protein change: p.Pro229Thr; replaces proline 229 with threonine.
Molecular consequence: missense variant.
Genome position (GRCh38, 1-based): chr11:65,526,865, C>A. VCF-style: chr11-65526865-C-A. GRCh37 (hg19) VCF-style: chr11-65294336-C-A.
Other names: c.685C>A, p.Pro229Thr (NM_001425179.1, NM_001425181.1, NM_001425182.1 and 19 more transcripts); c.682C>A, p.Pro228Thr (NM_001425180.1, NM_001425183.1); c.430C>A, p.Pro144Thr (NM_001425199.1); c.421C>A, p.Pro141Thr (NM_001425200.1); c.256C>A, p.Pro86Thr (NM_001425203.1, NM_001425204.1, NM_001425205.1 and 2 more transcripts); c.73C>A, p.Pro25Thr (NM_001425208.1, NM_001425209.1, NM_001425210.1 and 1 more transcripts); short protein forms P141T, P144T, P228T, P25T, P229T, P86T.
Identifiers: ClinVar variation 3438562 (VCV003438562.2).

ClinVar aggregate classification (germline): Uncertain significance. Review status: criteria provided, multiple submitters, no conflicts (2 of 4 stars). 2 submissions from 2 submitters: Uncertain significance (2). Last evaluated 2026-04-02.

Conditions:
SCYL1-related disorder. Also called: SCYL1-related condition.
Inborn genetic diseases. Identifiers: MedGen C0950123, MeSH D030342.

gnomAD v4.1: 55 of 1,613,406 alleles (0.0034%); highest among the groups gnomAD compares: African/African-American, 0.041%; no homozygotes.

Submissions (2):

PreventionGenetics, part of Exact Sciences
Classification: Uncertain significance for SCYL1-related condition. Last evaluated: 2026-04-02. Review status: criteria provided, single submitter. Criteria: ACMG Guidelines, 2015. Collection method: clinical testing. Allele origin: germline.
Comment: The SCYL1 c.685C>A variant is predicted to result in the amino acid substitution p.Pro229Thr. To our knowledge, this variant has not been reported in the literature. This variant is reported in 0.041% of alleles in individuals of African descent in gnomAD. At this time, the clinical significance of this variant is uncertain due to the absence of conclusive functional and genetic evidence.

Ambry Genetics
Classification: Uncertain significance for Inborn genetic diseases. Last evaluated: 2024-09-27. Review status: criteria provided, single submitter. Criteria: Ambry Variant Classification Scheme 2023. Collection method: clinical testing. Allele origin: germline.